The following is an entry in ClinVar:

NM_001927.4(DES):c.299A>G (p.Glu100Gly)

Gene: DES (desmin; plus strand). Cytogenetic location: 2q35.
Variant type: single nucleotide variant.
Coding change: c.299A>G on transcript NM_001927.4 (MANE Select); coding-DNA position 299, A replaced by G.
Protein change: p.Glu100Gly; replaces glutamic acid 100 with glycine.
Molecular consequence: missense variant.
Genome position (GRCh38, 1-based): chr2:219,418,761, A>G. VCF-style: chr2-219418761-A-G. GRCh37 (hg19) VCF-style: chr2-220283483-A-G.
Other names: c.299A>G, p.Glu100Gly (NM_001382708.1, NM_001382709.1, NM_001382710.1 and 3 more transcripts); short protein forms E100G.
Identifiers: ClinVar variation 2940014 (VCV002940014.4), dbSNP rs762738069, ClinGen allele CA350685021.
Genomic context (GRCh38, chr2:219,418,761, plus strand): 5'-CCTCCTCCTACGGCGCAGGCGAGCTGCTGGACTTCTCACTGGCCGACGCGGTGAACCAGG[A>G]GTTTCTGACCACGCGCACCAACGAGAAGGTGGAGCTGCAGGAGCTCAATGACCGCTTCGC-3'
Protein context (NP_001918.3, residues 90-110): DFSLADAVNQ[Glu100Gly]FLTTRTNEKV

ClinVar aggregate classification (germline): Uncertain significance. Review status: criteria provided, multiple submitters, no conflicts (2 of 4 stars). 2 submissions from 2 submitters: Uncertain significance (2). Last evaluated 2023-01-28.

Conditions:
Desmin-related myofibrillar myopathy (MFM1). Also called: MYOFIBRILLAR MYOPATHY WITH ARRHYTHMOGENIC RIGHT VENTRICULAR CARDIOMYOPATHY; DESMIN-RELATED MYOPATHY WITH ARRHYTHMOGENIC RIGHT VENTRICULAR CARDIOMYOPATHY; Myofibrillar myopathy 1; Desminopathy; Desmin related myopathy (former name); Desmin storage myopathy (former name). Identifiers: Orphanet 363543, Orphanet 98909, MedGen C1832370, MONDO:0011076, OMIM 601419.

Submissions (2):

Labcorp Genetics (formerly Invitae), Labcorp
Classification: Uncertain significance for Desmin-related myofibrillar myopathy. Last evaluated: 2023-01-28. Review status: criteria provided, single submitter. Criteria: Invitae Variant Classification Sherloc (09022015). Collection method: clinical testing. Allele origin: germline.
Comment: Advanced modeling of protein sequence and biophysical properties (such as structural, functional, and spatial information, amino acid conservation, physicochemical variation, residue mobility, and thermodynamic stability) has been performed at Invitae for this missense variant, however the output from this modeling did not meet the statistical confidence thresholds required to predict the impact of this variant on DES protein function. In summary, the available evidence is currently insufficient to determine the role of this variant in disease. Therefore, it has been classified as a Variant of Uncertain Significance. This variant has not been reported in the literature in individuals affected with DES-related conditions. This variant is not present in population databases (gnomAD no frequency). This sequence change replaces glutamic acid, which is acidic and polar, with glycine, which is neutral and non-polar, at codon 100 of the DES protein (p.Glu100Gly).

Blueprint Genetics
Classification: Uncertain significance. Last evaluated: 2021-10-14. Review status: criteria provided, single submitter. Criteria: ACMG Guidelines, 2015. Collection method: clinical testing. Allele origin: germline.